The following is an entry in ClinVar:

NM_007294.4(BRCA1):c.4739C>T (p.Ser1580Phe)

Gene: BRCA1 (BRCA1 DNA repair associated; minus strand). Cytogenetic location: 17q21.31.
Variant type: single nucleotide variant.
Coding change: c.4739C>T on transcript NM_007294.4 (MANE Select); coding-DNA position 4739, C replaced by T.
Protein change: p.Ser1580Phe; replaces serine 1580 with phenylalanine.
Molecular consequence: missense variant. On other transcripts: non-coding transcript variant (1).
Genome position (GRCh38, 1-based): chr17:43,071,175, G>A on the plus strand (C>T on the coding strand, the complement: BRCA1 is on the minus strand). VCF-style: chr17-43071175-G-A. GRCh37 (hg19) VCF-style: chr17-41223192-G-A.
Other names: c.4655C>T, p.Ser1552Phe (NM_001407661.1, NM_001407662.1, NM_001407663.1 and 2 more transcripts); c.4616C>T, p.Ser1539Phe (NM_001407664.1, NM_001407665.1, NM_001407666.1 and 6 more transcripts); c.4613C>T, p.Ser1538Phe (NM_001407670.1, NM_001407680.1, NM_001407939.1 and 11 more transcripts); c.4592C>T, p.Ser1531Phe (NM_001407849.1, NM_001407850.1, NM_001407851.1 and 12 more transcripts); c.4739C>T, p.Ser1580Phe (NM_001407854.1, NM_001407684.1, NM_001407593.1 and 8 more transcripts); c.4736C>T, p.Ser1579Phe (NM_001407858.1, NM_001407859.1, NM_001407860.1 and 17 more transcripts); c.4733C>T, p.Ser1578Phe (NM_001407861.1, NM_001407627.1, NM_001407628.1 and 14 more transcripts); c.1430C>T, p.Ser477Phe (NM_001407975.1, NM_001407976.1, NM_001407977.1 and 3 more transcripts); and 70 more; short protein forms S1580F, S1601F, S1533F, S476F, S1283F, S1411F, S1426F, S1452F.
Identifiers: ClinVar variation 55275 (VCV000055275.21), dbSNP rs80357411, ClinGen allele CA002999.

ClinVar aggregate classification (germline): Conflicting classifications of pathogenicity. Review status: criteria provided, conflicting classifications (1 of 4 stars). 6 submissions from 6 submitters: Uncertain significance (4); Likely benign (1). 1 of the submissions does not count toward it. Last evaluated 2026-04-21.

Conditions:
Hereditary cancer-predisposing syndrome. Also called: Hereditary Cancer Syndrome; Hereditary neoplastic syndrome; Neoplastic Syndromes, Hereditary; Tumor predisposition. Identifiers: Orphanet 140162, MedGen C0027672, MeSH D009386, MONDO:0015356.
Hereditary breast ovarian cancer syndrome. Also called: BRCA1- and BRCA2-Associated Hereditary Breast and Ovarian Cancer; Hereditary breast and ovarian cancer syndrome; Hereditary breast and ovarian cancer syndrome (HBOC); Breast and ovarian cancer; Hereditary breast and/or ovarian cancer syndrome; Hereditary breast and ovarian cancer. Identifiers: Orphanet 145, MedGen C0677776, MeSH D061325, MONDO:0003582. Disease mechanism: loss of function.
Breast-ovarian cancer, familial, susceptibility to, 1 (BROVCA1). Also called: BRCA1 Hereditary Breast and Ovarian Cancer; OVARIAN CANCER, SUSCEPTIBILITY TO. Identifiers: Orphanet 145, MedGen C2676676, MONDO:0011450, OMIM 604370. Disease mechanism: loss of function.

Allele frequency attached by ClinVar (database versions not stated): gnomAD 0.00001; TOPMed below 0.00001.
gnomAD v4.1: 1 of 1,614,114 alleles (0.000062%); highest among the groups gnomAD compares: Non-Finnish European, 0.000085%; no homozygotes.

Submissions (6):

Myriad Genetics, Inc.
Classification: Likely benign for Breast-ovarian cancer, familial, susceptibility to, 1. Last evaluated: 2026-04-21. Review status: criteria provided, single submitter. Criteria: Myriad Autosomal Dominant, Autosomal Recessive and X-Linked Classification Criteria (2023). Collection method: clinical testing. Allele origin: unknown.
Comment: This variant is considered likely benign. This variant is strongly associated with less severe personal and family histories of cancer, typical for individuals without pathogenic variants in this gene [PMID: 25085752].

Labcorp Genetics (formerly Invitae), Labcorp
Classification: Uncertain significance for Hereditary breast ovarian cancer syndrome. Last evaluated: 2026-01-18. Review status: criteria provided, single submitter. Criteria: Invitae Variant Classification Sherloc (09022015). Collection method: clinical testing. Allele origin: germline.
Comment: This sequence change replaces serine, which is neutral and polar, with phenylalanine, which is neutral and non-polar, at codon 1580 of the BRCA1 protein (p.Ser1580Phe). This variant is present in population databases (rs80357411, gnomAD 0.007%). This missense change has been observed in individual(s) with clinical features of BRCA1-related conditions (PMID: 10923033, 32438681, 34178674). ClinVar contains an entry for this variant (Variation ID: 55275). Invitae Evidence Modeling of protein sequence and biophysical properties (such as structural, functional, and spatial information, amino acid conservation, physicochemical variation, residue mobility, and thermodynamic stability) indicates that this missense variant is not expected to disrupt BRCA1 protein function with a negative predictive value of 95%. In summary, the available evidence is currently insufficient to determine the role of this variant in disease. Therefore, it has been classified as a Variant of Uncertain Significance.

Color Diagnostics, LLC DBA Color Health
Classification: Uncertain significance for Hereditary cancer-predisposing syndrome. Last evaluated: 2025-04-28. Review status: criteria provided, single submitter. Criteria: ACMG Guidelines, 2015. Collection method: clinical testing. Allele origin: germline.
Comment: This missense variant replaces serine with phenylalanine at codon 1580 of the BRCA1 protein. Computational prediction suggests that this variant may not impact protein structure and function. Functional studies have reported that this variant does not impact BRCA1 function in a transcription activation assay (PMID: 28781887, 30765603). This variant has been reported in at least on individual affected with breast or ovarian cancer (PMID: 32438681, 34178674). An estimated combined likelihood ratio for 1.026 is reached based on multifactorial analyses reporting likelihood ratios for co-occurrence with a pathogenic variant and personal and family history for 1 carrier (PMID: 31131967, 31853058). This variant has been identified in 1/31410 chromosomes in the general population by the Genome Aggregation Database (gnomAD). Although there is a suspicion that this variant may not be associated with disease, additional clinical studies are necessary to determine the role of this variant in disease conclusively. Therefore, this variant is classified as a Variant of Uncertain Significance.

Baylor Genetics
Classification: Uncertain significance for Breast-ovarian cancer, familial, susceptibility to, 1. Last evaluated: 2023-12-15. Review status: criteria provided, single submitter. Criteria: ACMG Guidelines, 2015. Collection method: clinical testing. Allele origin: unknown.

Ambry Genetics
Classification: Uncertain significance for Hereditary cancer-predisposing syndrome. Last evaluated: 2023-08-14. Review status: criteria provided, single submitter. Criteria: Ambry Variant Classification Scheme 2023. Collection method: clinical testing. Allele origin: germline.
Comment: The p.S1580F variant (also known as c.4739C>T), located in coding exon 14 of the BRCA1 gene, results from a C to T substitution at nucleotide position 4739. The serine at codon 1580 is replaced by phenylalanine, an amino acid with highly dissimilar properties. This variant was detected in 1/2351 Italian breast and/or ovarian cancer patients (Santonocito C et al. Cancers (Basel), 2020 May;12). This variant had near wildtype activity in a transcriptional activation assay (Woods NT et al. NPJ Genom Med, 2016 Mar;1). This amino acid position is not well conserved in available vertebrate species. In addition, the in silico prediction for this alteration is inconclusive. Since supporting evidence is limited at this time, the clinical significance of this alteration remains unclear.

Breast Cancer Information Core (BIC) (BRCA1)
Classification: Uncertain significance for Breast-ovarian cancer, familial 1. Last evaluated: 2004-11-25. Review status: no assertion criteria provided. Collection method: clinical testing. Allele origin: germline. Affected: yes. Observed: 1 variant allele. Not counted in ClinVar's aggregate classification.

Literature cited by the submitters: PubMed 25085752 (cited by Myriad Genetics, Inc.); PubMed 10923033 (cited by Labcorp Genetics (formerly Invitae), Labcorp); PubMed 32438681 (cited by 3 submitters); PubMed 34178674 (cited by Labcorp Genetics (formerly Invitae), Labcorp and Color Diagnostics, LLC DBA Color Health); PubMed 28781887 (cited by Color Diagnostics, LLC DBA Color Health and Ambry Genetics); PubMed 30765603 (cited by Color Diagnostics, LLC DBA Color Health); PubMed 31131967 (cited by Color Diagnostics, LLC DBA Color Health); PubMed 31853058 (cited by Color Diagnostics, LLC DBA Color Health).